The following is an entry in ClinVar:

NM_024675.4(PALB2):c.3347G>A (p.Gly1116Asp)

Gene: PALB2 (partner and localizer of BRCA2; minus strand). Cytogenetic location: 16p12.2.
Variant type: single nucleotide variant.
Coding change: c.3347G>A on transcript NM_024675.4 (MANE Select); coding-DNA position 3347, G replaced by A.
Protein change: p.Gly1116Asp; replaces glycine 1116 with aspartic acid.
Molecular consequence: missense variant.
Genome position (GRCh38, 1-based): chr16:23,607,867, C>T on the plus strand (G>A on the coding strand, the complement: PALB2 is on the minus strand). VCF-style: chr16-23607867-C-T. GRCh37 (hg19) VCF-style: chr16-23619188-C-T.
Other names: short protein forms G1116D.
Identifiers: ClinVar variation 656676 (VCV000656676.15), dbSNP rs1597066554, ClinGen allele CA395139220.

ClinVar aggregate classification (germline): Uncertain significance. Review status: criteria provided, multiple submitters, no conflicts (2 of 4 stars). 4 submissions from 4 submitters: Uncertain significance (4). Last evaluated 2025-03-28.

Conditions:
Hereditary cancer-predisposing syndrome. Also called: Hereditary neoplastic syndrome; Tumor predisposition; Neoplastic Syndromes, Hereditary; Hereditary Cancer Syndrome. Identifiers: Orphanet 140162, MedGen C0027672, MeSH D009386, MONDO:0015356.
Familial cancer of breast. Also called: Hereditary breast cancer; hereditary breast carcinoma; BREAST CANCER, FAMILIAL. Identifiers: Orphanet 227535, MedGen C0346153, MONDO:0016419, OMIM 114480. Disease mechanism: loss of function.

Allele frequency attached by ClinVar (database versions not stated): gnomAD exomes below 0.00001.
gnomAD v4.1: 2 of 1,613,882 alleles (0.00012%); highest among the groups gnomAD compares: Middle Eastern, 0.017%; no homozygotes.

Submissions (4):

Ambry Genetics
Classification: Uncertain significance for Hereditary cancer-predisposing syndrome. Last evaluated: 2025-03-28. Review status: criteria provided, single submitter. Criteria: Ambry Variant Classification Scheme 2023. Collection method: clinical testing. Allele origin: germline.
Comment: The p.G1116D variant (also known as c.3347G>A), located in coding exon 12 of the PALB2 gene, results from a G to A substitution at nucleotide position 3347. The glycine at codon 1116 is replaced by aspartic acid, an amino acid with similar properties. This variant was identified in 1 of 13087 breast cancer cases and 0 of 5488 control individuals in the UK (Decker B et al. J Med Genet, 2017 Nov;54:732-741). This amino acid position is highly conserved in available vertebrate species. In addition, the in silico prediction for this alteration is inconclusive. Based on the available evidence, the clinical significance of this variant remains unclear.

Color Diagnostics, LLC DBA Color Health
Classification: Uncertain significance for Hereditary cancer-predisposing syndrome. Last evaluated: 2024-06-03. Review status: criteria provided, single submitter. Criteria: ACMG Guidelines, 2015. Collection method: clinical testing. Allele origin: germline.
Comment: This missense variant replaces glycine with aspartic acid at codon 1116 of the PALB2 protein. Computational prediction suggests that this variant may not impact protein structure and function. To our knowledge, functional studies have not been reported for this variant. This variant has been reported in a breast cancer case-control study in 1/13087 breast cancer cases and absent in 5488 unaffected individuals (PMID: 28779002) and in a breast cancer case-control meta-analysis in 1/60466 cases and absent in 53461 unaffected individuals (PMID: 33471991; Leiden Open Variation Database DB-ID PALB2_010753). This variant has not been identified in the general population by the Genome Aggregation Database (gnomAD). The available evidence is insufficient to determine the role of this variant in disease conclusively. Therefore, this variant is classified as a Variant of Uncertain Significance.

KCCC/NGS Laboratory, Kuwait Cancer Control Center
Classification: Uncertain significance for Familial cancer of breast. Last evaluated: 2023-06-14. Review status: criteria provided, single submitter. Criteria: ACMG Guidelines, 2015. Collection method: clinical testing. Allele origin: unknown. Inheritance: Autosomal dominant inheritance. Affected: yes. Observed: 1 heterozygote.
Comment: a variant of uncertain significance was detected in the PALB2 gene (p.Gly1116Asp). This sequence change replaces glycine, which is neutral and non-polar, with aspartic acid, which is acidic and polar, at codon 1116 of the PALB2 protein (p.Gly1116Asp). This aminoacid postion not highly conserved (PhyloP=3.19). This variant is not present in population databases (gnomAD no frequency) nor in our local database. This missense change has been observed in individual(s) with breast cancer (PMID: 28779002). ClinVar contains an entry for this variant (Variation ID: 656676). In-silico predictions show conflicting computational verdict (SIFT: "Deleterious"; PolyPhen-2: "Benign"). Algorithms developed to predict the effect of sequence changes on RNA splicing suggest that this variant may create or strengthen a splice site. In summary, the available evidence is currently insufficient to determine the role of this variant in disease. Therefore, it has been classified as a Variant of Uncertain Significance.

Labcorp Genetics (formerly Invitae), Labcorp
Classification: Uncertain significance for Familial cancer of breast. Last evaluated: 2022-09-01. Review status: criteria provided, single submitter. Criteria: Invitae Variant Classification Sherloc (09022015). Collection method: clinical testing. Allele origin: germline.
Comment: This sequence change replaces glycine, which is neutral and non-polar, with aspartic acid, which is acidic and polar, at codon 1116 of the PALB2 protein (p.Gly1116Asp). This variant is not present in population databases (gnomAD no frequency). This missense change has been observed in individual(s) with breast cancer (PMID: 28779002). ClinVar contains an entry for this variant (Variation ID: 656676). Algorithms developed to predict the effect of missense changes on protein structure and function are either unavailable or do not agree on the potential impact of this missense change (SIFT: "Deleterious"; PolyPhen-2: "Benign"; Align-GVGD: "Class C0"). Algorithms developed to predict the effect of sequence changes on RNA splicing suggest that this variant may create or strengthen a splice site. In summary, the available evidence is currently insufficient to determine the role of this variant in disease. Therefore, it has been classified as a Variant of Uncertain Significance.

Literature cited by the submitters: PubMed 28779002 (cited by 3 submitters); PubMed 33471991 (cited by Color Diagnostics, LLC DBA Color Health).